The following is an entry in ClinVar:

NM_001017980.4(VMA21):c.165C>T (p.Gly55=)

Gene: VMA21 (vacuolar ATPase assembly factor VMA21; plus strand). Cytogenetic location: Xq28.
Variant type: single nucleotide variant.
Coding change: c.165C>T on transcript NM_001017980.4 (MANE Select); coding-DNA position 165, C replaced by T.
Protein change: p.Gly55=; no amino-acid change (glycine 55 retained).
Molecular consequence: synonymous variant.
Genome position (GRCh38, 1-based): chrX:151,404,917, C>T. VCF-style: chrX-151404917-C-T. GRCh37 (hg19) VCF-style: chrX-150573389-C-T.
Other names: p.Gly55=; c.330C>T, p.Gly110= (NM_001363810.1).
Identifiers: ClinVar variation 464818 (VCV000464818.15), dbSNP rs146017753, ClinGen allele CA10540578.

ClinVar aggregate classification (germline): Benign/Likely benign. Review status: criteria provided, multiple submitters, no conflicts (2 of 4 stars). 3 submissions from 3 submitters: Benign (1); Likely benign (2). Last evaluated 2026-02-01.

Conditions:
X-linked myopathy with excessive autophagy (AVM). Also called: Vacuolar myopathy; Autophagic vacuolar myopathy. Identifiers: Orphanet 25980, MedGen C1839615, MONDO:0010684, OMIM 310440.

Allele frequency attached by ClinVar (database versions not stated): 1000 Genomes Project 30x 0.00021; 1000 Genomes Project 0.00026; gnomAD 0.00096 and 0.00100; gnomAD exomes 0.00097 and 0.00190; TOPMed 0.00098; ExAC 0.00107; ESP Exome Variant Server 0.00133.
gnomAD v4.1: 2,138 of 1,203,457 alleles (0.18%); highest among the groups gnomAD compares: Non-Finnish European, 0.23%; 1 homozygote.

Submissions (3):

Labcorp Genetics (formerly Invitae), Labcorp
Classification: Benign for X-linked myopathy with excessive autophagy. Last evaluated: 2026-02-01. Review status: criteria provided, single submitter. Criteria: Invitae Variant Classification Sherloc (09022015). Collection method: clinical testing. Allele origin: germline.

Mayo Clinic Laboratories, Mayo Clinic
Classification: Likely benign. Last evaluated: 2025-09-10. Review status: criteria provided, single submitter. Criteria: ACMG Guidelines, 2015. Collection method: clinical testing. Allele origin: germline. Observed: 1 variant allele.
Comment: BS2, BP4, BP7

Blueprint Genetics
Classification: Likely benign. Last evaluated: 2024-09-18. Review status: criteria provided, single submitter. Criteria: ACMG Guidelines, 2015. Collection method: clinical testing. Allele origin: germline.